The following is an entry in ClinVar:

ClinVar aggregate classification (germline): Likely pathogenic (1 of 4 stars; one submission).

Submission:

Labcorp Genetics (formerly Invitae), Labcorp
Classification: Likely pathogenic. Last evaluated: 2023-04-06. Review status: criteria provided, single submitter. Criteria: Invitae Variant Classification Sherloc (09022015). Collection method: clinical testing. Allele origin: unknown.
Comment: In summary, the currently available evidence indicates that the variant is pathogenic, but additional data are needed to prove that conclusively. Therefore, this variant has been classified as Likely Pathogenic. A similar copy number variant has been observed in individual(s) with Aarskog-Scott syndrome (Invitae). This variant results in a copy number gain of the genomic region encompassing exon(s) 9-12 of the FGD1 gene. While the exact position of this variant cannot be determined from the data, sub-genic copy number gains are generally in tandem (PMID: 25640679). This variant is predicted to be out-of-frame, and may result in an absent or disrupted protein product. Loss-of-function variants in FGD1 are known to be pathogenic (PMID: 21739585, 23211637, 25046119, 26029706).

Literature cited by the submitters: PubMed 25640679; PubMed 21739585; PubMed 23211637; PubMed 25046119; PubMed 26029706.

NC_000023.10:g.(?_54481861)_(54483020_?)dup

Gene: FGD1 (FYVE, RhoGEF and PH domain containing 1; minus strand). Cytogenetic location: Xp11.22.
Variant type: Duplication.
Identifiers: ClinVar variation 3246618 (VCV003246618.1).